The following is an entry in ClinVar:

NM_001358235.2(DCHS2):c.7933T>C (p.Leu2645=)

Genes: DCHS2 (dachsous cadherin-related 2; minus strand), DCHS2-AS1 (DCHS2 antisense RNA 1; plus strand). Cytogenetic location: 4q31.3.
Variant type: single nucleotide variant.
Coding change: c.7933T>C on transcript NM_001358235.2 (MANE Select); coding-DNA position 7933, T replaced by C.
Protein change: p.Leu2645=; no amino-acid change (leucine 2645 retained).
Molecular consequence: synonymous variant.
Genome position (GRCh38, 1-based): chr4:154,236,719, A>G on the plus strand (T>C on the coding strand, the complement: DCHS2 is on the minus strand). VCF-style: chr4-154236719-A-G. GRCh37 (hg19) VCF-style: chr4-155157871-A-G.
Identifiers: ClinVar variation 3038093 (VCV003038093.2), dbSNP rs111455548, ClinGen allele CA3112012.

ClinVar aggregate classification (germline): Benign (0 of 4 stars; one submission).

Conditions:
DCHS2-related disorder. Also called: DCHS2-related condition.

Allele frequency attached by ClinVar (database versions not stated): 1000 Genomes Project 30x 0.00328; 1000 Genomes Project 0.00339; ExAC 0.00758; gnomAD 0.00763; TOPMed 0.00804; ESP Exome Variant Server 0.00992; gnomAD exomes 0.01153.
gnomAD v4.1: 17,978 of 1,613,906 alleles (1.1%); highest among the groups gnomAD compares: Non-Finnish European, 1.3%; 119 homozygotes.

Submission:

PreventionGenetics, part of Exact Sciences
Classification: Benign for DCHS2-related condition. Last evaluated: 2019-02-27. Review status: no assertion criteria provided. Collection method: clinical testing. Allele origin: germline.
Comment: This variant is classified as benign based on ACMG/AMP sequence variant interpretation guidelines (Richards et al. 2015 PMID: 25741868, with internal and published modifications).